The following is an entry in ClinVar:

ClinVar aggregate classification (germline): Uncertain significance. Review status: criteria provided, multiple submitters, no conflicts (2 of 4 stars). 3 submissions from 3 submitters: Uncertain significance (2). 1 of the submissions does not count toward it. Last evaluated 2025-04-07.

Conditions:
PAX4-related disorder. Also called: PAX4-related condition.
Maturity-onset diabetes of the young type 9 (MODY9). Identifiers: Orphanet 552, MedGen C2677132, MONDO:0012818, OMIM 612225.
Type 2 diabetes mellitus. Also called: Type II diabetes mellitus. Identifiers: MedGen C0011860, MeSH D003924, MONDO:0005148, OMIM 125853, HP:0005978.

Allele frequency attached by ClinVar (database versions not stated): gnomAD 0.00001; TOPMed 0.00002; gnomAD exomes below 0.00001; ExAC 0.00001.
gnomAD v4.1: 7 of 1,605,750 alleles (0.00044%); highest among the groups gnomAD compares: East Asian, 0.0045%; no homozygotes.

Submissions (3):

Medgenome Labs Ltd
Classification: Uncertain significance for Type 2 diabetes mellitus. Last evaluated: 2025-04-07. Review status: criteria provided, single submitter. Criteria: ACMG Guidelines, 2015. Collection method: clinical testing. Allele origin: maternal. Affected: yes.

3billion
Classification: Uncertain significance for PAX4-related disorder. Last evaluated: 2024-08-14. Review status: criteria provided, single submitter. Criteria: ACMG Guidelines, 2015. Collection method: clinical testing. Allele origin: germline. Affected: yes.
Comment: The variant is observed at an extremely low frequency in the gnomAD v4.0.0 dataset (total allele frequency: <0.001%). Predicted Consequence/Location: Canonical splice site: predicted to alter splicing and result in a loss or disruption of normal protein function. However, loss-of-function (LoF) variants are not yet known to be disease-causing for this gene. In silico tools predict the variant to alter splicing and produce an abnormal transcript [SpliceAI: 0.64 (spliceogenicity >=0.2, non-spliceogenicity <0.1)]. The variant has been reported to be associated with PAX4 related disorder (ClinVar ID: VCV000013794 /PMID: 17426099). Therefore, this variant is classified as VUS according to the recommendation of ACMG/AMP guideline.

OMIM
Classification: Pathogenic for MATURITY-ONSET DIABETES OF THE YOUNG, TYPE 9. Last evaluated: 2007-07-01. Review status: no assertion criteria provided. Collection method: literature only. Allele origin: germline. Not counted in ClinVar's aggregate classification.

Literature cited by the submitters: PubMed 17426099 (cited by 3billion and OMIM).

NM_001366110.1(PAX4):c.772-1G>A

Gene: PAX4 (paired box 4; minus strand). Cytogenetic location: 7q32.1.
Variant type: single nucleotide variant.
Coding change: c.772-1G>A on transcript NM_001366110.1 (MANE Select); the canonical splice acceptor site of the intron before coding-DNA position 772, G replaced by A.
Molecular consequence: splice acceptor variant.
Genome position (GRCh38, 1-based): chr7:127,611,677, C>T on the plus strand (G>A on the coding strand, the complement: PAX4 is on the minus strand). VCF-style: chr7-127611677-C-T. GRCh37 (hg19) VCF-style: chr7-127251731-C-T.
Other names: IVS7, G-A, -1; c.772-1G>A (NM_001366111.1).
Identifiers: ClinVar variation 13794 (VCV000013794.3), dbSNP rs371715169, ClinGen allele CA4467907.